The following is an entry in ClinVar:

ClinVar aggregate classification (germline): Pathogenic (1 of 4 stars; one submission).

Conditions:
Cutis laxa, X-linked (OHS). Also called: EDS IX; Occipital horn syndrome. Identifiers: Orphanet 198, MedGen C0268353, MONDO:0010572, OMIM 304150.
X-linked distal spinal muscular atrophy type 3. Also called: ATP7A-Related Distal Motor Neuropathy; NEURONOPATHY, DISTAL HEREDITARY MOTOR, X-LINKED; NEUROPATHY, DISTAL HEREDITARY MOTOR, X-LINKED; SPINAL MUSCULAR ATROPHY, DISTAL, X-LINKED RECESSIVE. Identifiers: Orphanet 139557, MedGen C1845359, MONDO:0010338, OMIM 300489.
Menkes kinky-hair syndrome (MNK). Also called: Classic Menkes Disease; Menkes Disease; Copper transport disease. Identifiers: Orphanet 565, MedGen C0022716, MONDO:0010651, OMIM 309400.

Submission:

Labcorp Genetics (formerly Invitae), Labcorp
Classification: Pathogenic for Distal spinal muscular atrophy, X-linked 3; Cutis laxa, X-linked; Menkes kinky-hair syndrome. Last evaluated: 2018-08-27. Review status: criteria provided, single submitter. Criteria: Invitae Variant Classification Sherloc (09022015). Collection method: clinical testing. Allele origin: germline.
Comment: This sequence change creates a premature translational stop signal (p.Gln1290*) in the ATP7A gene. It is expected to result in an absent or disrupted protein product. This variant is not present in population databases (ExAC no frequency). This variant has not been reported in the literature in individuals with ATP7A-related disease. Loss-of-function variants in ATP7A are known to be pathogenic (PMID: 11241493, 20652413). For these reasons, this variant has been classified as Pathogenic.

NM_000052.7(ATP7A):c.3868C>T (p.Gln1290Ter)

Gene: ATP7A (ATPase copper transporting alpha; plus strand). Cytogenetic location: Xq21.1.
Variant type: single nucleotide variant.
Coding change: c.3868C>T on transcript NM_000052.7 (MANE Select); coding-DNA position 3868, C replaced by T.
Protein change: p.Gln1290Ter; replaces glutamine 1290 with a stop codon.
Molecular consequence: nonsense. On other transcripts: non-coding transcript variant (1).
Genome position (GRCh38, 1-based): chrX:78,042,651, C>T. VCF-style: chrX-78042651-C-T. GRCh37 (hg19) VCF-style: chrX-77298149-C-T.
Other names: c.3634C>T, p.Gln1212Ter (NM_001282224.2); short protein forms Q1212*, Q1290*.
Identifiers: ClinVar variation 657355 (VCV000657355.1), dbSNP rs1603391120, ClinGen allele CA413605152.